The following is an entry in ClinVar:

NM_003036.4(SKI):c.1943G>A (p.Arg648Gln)

Gene: SKI (SKI proto-oncogene; plus strand). Cytogenetic location: 1p36.32.
Variant type: single nucleotide variant.
Coding change: c.1943G>A on transcript NM_003036.4 (MANE Select); coding-DNA position 1943, G replaced by A.
Protein change: p.Arg648Gln; replaces arginine 648 with glutamine.
Molecular consequence: missense variant.
Genome position (GRCh38, 1-based): chr1:2,306,195, G>A. VCF-style: chr1-2306195-G-A. GRCh37 (hg19) VCF-style: chr1-2237634-G-A.
Other names: short protein forms R648Q.
Identifiers: ClinVar variation 3715680 (VCV003715680.2).
Genomic context (GRCh38, chr1:2,306,195, plus strand): 5'-AAGAGGCCAACGAGTCACGGCTGCGCCTGAAGCGGGAGCTGGAGCAGGCGCGGCAGGCCC[G>A]GGTGTGCGACAAGGGCTGCGAGGCGGGCCGCCTGCGCGCCAAGTACTCGGCCCAGGTATG-3'
Protein context (NP_003027.1, residues 638-658): KRELEQARQA[Arg648Gln]VCDKGCEAGR

ClinVar aggregate classification (germline): Uncertain significance (1 of 4 stars; one submission).

Conditions:
Shprintzen-Goldberg syndrome (SGS). Also called: Marfanoid disorder with craniosynostosis type 1; Marfanoid craniosynostosis syndrome; Shprintzen-Goldberg marfanoid syndrome; SHPRINTZEN-GOLDBERG CRANIOSYNOSTOSIS SYNDROME; CRANIOSYNOSTOSIS WITH ARACHNODACTYLY AND ABDOMINAL HERNIAS. Identifiers: Orphanet 2462, MedGen C1321551, MONDO:0008426, OMIM 182212.

gnomAD v4.1: 2 of 1,583,216 alleles (0.00013%); highest among the groups gnomAD compares: Non-Finnish European, 0.000086%; no homozygotes.

Submission:

Labcorp Genetics (formerly Invitae), Labcorp
Classification: Uncertain significance for Shprintzen-Goldberg syndrome. Last evaluated: 2024-06-26. Review status: criteria provided, single submitter. Criteria: Invitae Variant Classification Sherloc (09022015). Collection method: clinical testing. Allele origin: germline.
Comment: This sequence change replaces arginine, which is basic and polar, with glutamine, which is neutral and polar, at codon 648 of the SKI protein (p.Arg648Gln). This variant is not present in population databases (gnomAD no frequency). This variant has not been reported in the literature in individuals affected with SKI-related conditions. Advanced modeling of protein sequence and biophysical properties (such as structural, functional, and spatial information, amino acid conservation, physicochemical variation, residue mobility, and thermodynamic stability) has been performed at Invitae for this missense variant, however the output from this modeling did not meet the statistical confidence thresholds required to predict the impact of this variant on SKI protein function. Algorithms developed to predict the effect of sequence changes on RNA splicing suggest that this variant may create or strengthen a splice site. In summary, the available evidence is currently insufficient to determine the role of this variant in disease. Therefore, it has been classified as a Variant of Uncertain Significance.